The following is an entry in ClinVar:

NM_025099.6(CTC1):c.1936C>A (p.Arg646=)

Gene: CTC1 (CST telomere replication complex component 1; minus strand). Cytogenetic location: 17p13.1.
Variant type: single nucleotide variant.
Coding change: c.1936C>A on transcript NM_025099.6 (MANE Select); coding-DNA position 1936, C replaced by A.
Protein change: p.Arg646=; no amino-acid change (arginine 646 retained).
Molecular consequence: synonymous variant. On other transcripts: non-coding transcript variant (1).
Genome position (GRCh38, 1-based): chr17:8,232,915, G>T on the plus strand (C>A on the coding strand, the complement: CTC1 is on the minus strand). VCF-style: chr17-8232915-G-T. GRCh37 (hg19) VCF-style: chr17-8136233-G-T.
Other names: c.1936C>A, p.Arg646= (NM_001411067.1).
Identifiers: ClinVar variation 4812009 (VCV004812009.1).
Genomic context (GRCh38, chr17:8,232,915, plus strand): 5'-ATGAGAACCACCATCCCACTACCATCTTCTTTCCACATCTGAACTCCAAACCTATCAGCC[G>T]TGGGTCACTGAGGGGTTGAGAGTGCTTGGCCAGGAGCAGGCAGGGCAGGGAACCACTTTG-3'
Protein context (NP_079375.3, residues 636-656): AKHSQPLSDP[Arg646=]LIGCLVRAER

ClinVar aggregate classification (germline): Uncertain significance (1 of 4 stars; one submission).

Conditions:
Dyskeratosis congenita. Identifiers: Orphanet 1775, MedGen C0265965, MONDO:0015780.

Submission:

Labcorp Genetics (formerly Invitae), Labcorp
Classification: Uncertain significance for Dyskeratosis congenita. Last evaluated: 2025-12-15. Review status: criteria provided, single submitter. Criteria: Invitae Variant Classification Sherloc (09022015). Collection method: clinical testing. Allele origin: germline.
Comment: This sequence change affects codon 646 of the CTC1 mRNA. It is a 'silent' change, meaning that it does not change the encoded amino acid sequence of the CTC1 protein. This variant is present in population databases (rs780151711, gnomAD 0.03%). This variant has not been reported in the literature in individuals affected with CTC1-related conditions. Algorithms developed to predict the effect of sequence changes on RNA splicing suggest that this variant may disrupt the consensus splice site. In summary, the available evidence is currently insufficient to determine the role of this variant in disease. Therefore, it has been classified as a Variant of Uncertain Significance.